The following is an entry in ClinVar:

NM_002691.4(POLD1):c.1727_1728del (p.Glu576fs)

Gene: POLD1 (DNA polymerase delta 1, catalytic subunit; plus strand). Cytogenetic location: 19q13.33.
Variant type: Microsatellite.
Coding change: c.1727_1728del on transcript NM_002691.4 (MANE Select); coding-DNA positions 1727 to 1728, 2 bases deleted (AG; older notation c.1727_1728delAG).
Protein change: p.Glu576fs; shifts the reading frame from glutamic acid 576.
Molecular consequence: frameshift variant. On other transcripts: non-coding transcript variant (1).
Genome position (GRCh38, 1-based): chr19:50,407,367-50,407,368, AG deleted; deleting any 2 consecutive bases within chr19:50,407,365-50,407,368 gives the same sequence; the c. name uses the placement nearest the transcript's 3' end. VCF-style (leftmost placement, unchanged base first): chr19-50407364-CAG-C. GRCh37 (hg19) VCF-style: chr19-50910621-CAG-C.
Other names: c.1727_1728del, p.Glu576fs (NM_001256849.1, NM_001308632.1); c.1727_1728delAG (NM_002691.2); short protein forms E576fs.
Identifiers: ClinVar variation 937288 (VCV000937288.7), dbSNP rs2038934642, ClinGen allele CA2340885737.

ClinVar aggregate classification (germline): Uncertain significance. Review status: criteria provided, multiple submitters, no conflicts (2 of 4 stars). 2 submissions from 2 submitters: Uncertain significance (2). Last evaluated 2025-10-16.

Conditions:
Hereditary cancer-predisposing syndrome. Also called: Hereditary neoplastic syndrome; Tumor predisposition; Neoplastic Syndromes, Hereditary; Hereditary Cancer Syndrome. Identifiers: Orphanet 140162, MedGen C0027672, MeSH D009386, MONDO:0015356.
POLD1-related polyposis and colorectal cancer syndrome (CRCS10). Also called: Colorectal cancer 10; COLORECTAL CANCER, SUSCEPTIBILITY TO, ON CHROMOSOME 19q; Colorectal cancer, susceptibility to, 10. Identifiers: Orphanet 220460, MedGen C2675481, MONDO:0012953, OMIM 612591.

Submissions (2):

Ambry Genetics
Classification: Uncertain significance for Hereditary cancer-predisposing syndrome. Last evaluated: 2025-10-16. Review status: criteria provided, single submitter. Criteria: Ambry Variant Classification Scheme 2023. Collection method: clinical testing. Allele origin: germline.
Comment: The c.1727_1728delAG variant, located in coding exon 13 of the POLD1 gene, results from a deletion of two nucleotides at nucleotide positions 1727 to 1728, causing a translational frameshift with a predicted alternate stop codon (p.E576Gfs*58). This alteration is expected to result in loss of function by premature protein truncation or nonsense-mediated mRNA decay. However, loss of function of POLD1 has not been established as a mechanism of disease. Based on the available evidence, the clinical significance of this alteration remains unclear.

Labcorp Genetics (formerly Invitae), Labcorp
Classification: Uncertain significance for POLD1-related polyposis and colorectal cancer syndrome. Last evaluated: 2024-11-12. Review status: criteria provided, single submitter. Criteria: Invitae Variant Classification Sherloc (09022015). Collection method: clinical testing. Allele origin: germline.
Comment: This sequence change creates a premature translational stop signal (p.Glu576Glyfs*58) in the POLD1 gene. Missense variants that disrupt the 3'-5' exonuclease (proof-reading) activity of the POLD1 protein are associated with PPAP (polymerase proofreading‚Äìassociated polyposis) (PMID: 23263490, 23447401). However, loss-of-function variants that result in an absent or severely disrupted POLD1 protein, and missense variants outside the exonuclease domain, are unlikely to be associated with PPAP. This variant is not present in population databases (gnomAD no frequency). This variant has not been reported in the literature in individuals affected with POLD1-related conditions. ClinVar contains an entry for this variant (Variation ID: 937288). In summary, the available evidence is currently insufficient to determine the role of this variant in disease. Therefore, it has been classified as a Variant of Uncertain Significance.

Literature cited by the submitters: PubMed 23263490 (cited by Labcorp Genetics (formerly Invitae), Labcorp); PubMed 23447401 (cited by Labcorp Genetics (formerly Invitae), Labcorp).